The following is an entry in ClinVar:

ClinVar aggregate classification (germline): Uncertain significance (1 of 4 stars; one submission).

Submission:

GeneDx
Classification: Uncertain significance. Last evaluated: 2022-11-11. Review status: criteria provided, single submitter. Criteria: GeneDx Variant Classification Process June 2021. Collection method: clinical testing. Allele origin: germline. Affected: yes.
Comment: Not observed at significant frequency in large population cohorts (gnomAD); In silico analysis supports that this missense variant has a deleterious effect on protein structure/function; Has not been previously published as pathogenic or benign to our knowledge

NM_001845.6(COL4A1):c.4553A>G (p.Asp1518Gly)

Gene: COL4A1 (collagen type IV alpha 1 chain; minus strand). Cytogenetic location: 13q34.
Variant type: single nucleotide variant.
Coding change: c.4553A>G on transcript NM_001845.6 (MANE Select); coding-DNA position 4553, A replaced by G.
Protein change: p.Asp1518Gly; replaces aspartic acid 1518 with glycine.
Molecular consequence: missense variant.
Genome position (GRCh38, 1-based): chr13:110,161,279, T>C on the plus strand (A>G on the coding strand, the complement: COL4A1 is on the minus strand). VCF-style: chr13-110161279-T-C. GRCh37 (hg19) VCF-style: chr13-110813626-T-C.
Other names: short protein forms D1518G.
Identifiers: ClinVar variation 2501874 (VCV002501874.1), dbSNP rs2501735025, ClinGen allele CA388657331.